The following is an entry in ClinVar:

ClinVar aggregate classification (germline): Likely benign. Review status: criteria provided, single submitter (1 of 4 stars). 2 submissions from 2 submitters: Likely benign (1). 1 of the submissions does not count toward it. Last evaluated 2023-12-09.

Conditions:
TTC8-related disorder. Also called: TTC8-related condition.
Bardet-Biedl syndrome (BBS). Identifiers: Orphanet 110, MedGen C0752166, MONDO:0015229.

Allele frequency attached by ClinVar (database versions not stated): gnomAD exomes below 0.00001; TOPMed below 0.00001; gnomAD 0.00001.

Submissions (2):

Labcorp Genetics (formerly Invitae), Labcorp
Classification: Likely benign for Bardet-Biedl syndrome. Last evaluated: 2023-12-09. Review status: criteria provided, single submitter. Criteria: Invitae Variant Classification Sherloc (09022015). Collection method: clinical testing. Allele origin: germline.

PreventionGenetics, part of Exact Sciences
Classification: Likely benign for TTC8-related condition. Last evaluated: 2022-02-28. Review status: no assertion criteria provided. Collection method: clinical testing. Allele origin: germline. Not counted in ClinVar's aggregate classification.
Comment: This variant is classified as likely benign based on ACMG/AMP sequence variant interpretation guidelines (Richards et al. 2015 PMID: 25741868, with internal and published modifications).

NM_144596.4(TTC8):c.784C>T (p.Leu262=)

Gene: TTC8 (tetratricopeptide repeat domain 8; plus strand). Cytogenetic location: 14q31.3.
Variant type: single nucleotide variant.
Coding change: c.784C>T on transcript NM_144596.4 (MANE Select); coding-DNA position 784, C replaced by T.
Protein change: p.Leu262=; no amino-acid change (leucine 262 retained).
Molecular consequence: synonymous variant. On other transcripts: non-coding transcript variant (1).
Genome position (GRCh38, 1-based): chr14:88,857,263, C>T. VCF-style: chr14-88857263-C-T. GRCh37 (hg19) VCF-style: chr14-89323607-C-T.
Other names: c.832C>T, p.Leu278= (NM_001288781.1); c.190C>T, p.Leu64= (NM_001288782.1); c.67C>T, p.Leu23= (NM_001288783.1); c.754C>T, p.Leu252= (NM_001366535.2, NM_198309.3); c.664C>T, p.Leu222= (NM_001366536.2, NM_198310.3); c.784C>T (NM_144596.3).
Identifiers: ClinVar variation 2879424 (VCV002879424.5), dbSNP rs2094860988, ClinGen allele CA487522977.